The following is an entry in ClinVar:

NM_000051.4(ATM):c.7796C>G (p.Thr2599Arg)

Genes: ATM (ATM serine/threonine kinase; plus strand), C11orf65 (chromosome 11 open reading frame 65; minus strand). Cytogenetic location: 11q22.3.
Variant type: single nucleotide variant.
Coding change: c.7796C>G on transcript NM_000051.4 (MANE Select); coding-DNA position 7796, C replaced by G.
Protein change: p.Thr2599Arg; replaces threonine 2599 with arginine.
Molecular consequence: missense variant. On other transcripts: intron variant (2).
Genome position (GRCh38, 1-based): chr11:108,332,769, C>G. VCF-style: chr11-108332769-C-G. GRCh37 (hg19) VCF-style: chr11-108203496-C-G.
Other names: c.7796C>G, p.Thr2599Arg (NM_001351834.2); c.641-23698G>C (NM_001330368.2); c.*38+2451G>C (NM_001351110.2); short protein forms T2599R.
Identifiers: ClinVar variation 4843910 (VCV004843910.1).

ClinVar aggregate classification (germline): Uncertain significance (1 of 4 stars; one submission).

Conditions:
Hereditary cancer-predisposing syndrome. Also called: Tumor predisposition; Hereditary neoplastic syndrome; Hereditary Cancer Syndrome; Neoplastic Syndromes, Hereditary. Identifiers: Orphanet 140162, MedGen C0027672, MeSH D009386, MONDO:0015356.

Submission:

Ambry Genetics
Classification: Uncertain significance for Hereditary cancer-predisposing syndrome. Last evaluated: 2025-12-22. Review status: criteria provided, single submitter. Criteria: Ambry Variant Classification Scheme 2023. Collection method: clinical testing. Allele origin: germline.
Comment: The p.T2599R variant (also known as c.7796C>G), located in coding exon 52 of the ATM gene, results from a C to G substitution at nucleotide position 7796. The threonine at codon 2599 is replaced by arginine, an amino acid with similar properties. This amino acid position is conserved. In addition, this alteration is predicted to be tolerated by in silico analysis. Based on the available evidence, the clinical significance of this variant remains unclear.